The following is an entry in ClinVar:

ClinVar aggregate classification (germline): Pathogenic (1 of 4 stars; one submission).

Conditions:
Very long chain acyl-CoA dehydrogenase deficiency (ACADVLD). Also called: Very Long-Chain Acyl-Coenzyme A Dehydrogenase Deficiency; VLCAD Deficiency. Identifiers: Orphanet 26793, MedGen C3887523, MONDO:0008723, OMIM 201475.

Submission:

Labcorp Genetics (formerly Invitae), Labcorp
Classification: Pathogenic for Very long chain acyl-CoA dehydrogenase deficiency. Last evaluated: 2025-07-29. Review status: criteria provided, single submitter. Criteria: Invitae Variant Classification Sherloc (09022015). Collection method: clinical testing. Allele origin: germline.
Comment: This sequence change creates a premature translational stop signal (p.Gln81*) in the ACADVL gene. It is expected to result in an absent or disrupted protein product. Loss-of-function variants in ACADVL are known to be pathogenic (PMID: 9973285, 11590124). This variant is not present in population databases (gnomAD no frequency). This variant has not been reported in the literature in individuals affected with ACADVL-related conditions. Algorithms developed to predict the effect of sequence changes on RNA splicing suggest that this variant may disrupt the consensus splice site. For these reasons, this variant has been classified as Pathogenic.

Literature cited by the submitters: PubMed 9973285; PubMed 11590124.

NM_000018.4(ACADVL):c.241C>T (p.Gln81Ter)

Gene: ACADVL (acyl-CoA dehydrogenase very long chain; plus strand). Cytogenetic location: 17p13.1.
Variant type: single nucleotide variant.
Coding change: c.241C>T on transcript NM_000018.4 (MANE Select); coding-DNA position 241, C replaced by T.
Protein change: p.Gln81Ter; replaces glutamine 81 with a stop codon.
Molecular consequence: nonsense.
Genome position (GRCh38, 1-based): chr17:7,220,640, C>T. VCF-style: chr17-7220640-C-T. GRCh37 (hg19) VCF-style: chr17-7123959-C-T.
Other names: c.175C>T, p.Gln59Ter (NM_001033859.3); c.310C>T, p.Gln104Ter (NM_001270447.2); c.13C>T, p.Gln5Ter (NM_001270448.2); short protein forms Q81*, Q104*, Q5*, Q59*.
Identifiers: ClinVar variation 4720477 (VCV004720477.1).